The following is an entry in ClinVar:

NM_005633.4(SOS1):c.1271_1345dup (p.Gly448_Thr449insLysIleGlnLysAsnIleAspGlyTrpGluGlyLysAspIleGlyGlnCysCysAsnGluPheIleMetGluGly)

Gene: SOS1 (SOS Ras/Rac guanine nucleotide exchange factor 1; minus strand). Cytogenetic location: 2p22.1.
Variant type: Duplication.
Coding change: c.1271_1345dup on transcript NM_005633.4 (MANE Select); coding-DNA positions 1271 to 1345, 75 bases duplicated.
Protein change: p.Gly448_Thr449insLysIleGlnLysAsnIleAspGlyTrpGluGlyLysAspIleGlyGlnCysCysAsnGluPheIleMetGluGly.
Molecular consequence: inframe insertion.
Genome position (GRCh38, 1-based): chr2:39,023,083-39,023,157, 75 bases duplicated. GRCh37 (hg19): chr2:39,250,224-39,250,298.
Other names: c.1250_1324dup, p.Gly441_Thr442insLysIleGlnLysAsnIleAspGlyTrpGluGlyLysAspIleGlyGlnCysCysAsnGluPheIleMetGluGly (NM_001382394.1); c.1271_1345dup, p.Gly448_Thr449insLysIleGlnLysAsnIleAspGlyTrpGluGlyLysAspIleGlyGlnCysCysAsnGluPheIleMetGluGly (NM_001382395.1).
Identifiers: ClinVar variation 917647 (VCV000917647.1), dbSNP rs1669848769, ClinGen allele CA1139656890.

ClinVar aggregate classification (germline): Uncertain significance (1 of 4 stars; one submission).

Submission:

Women's Health and Genetics/Laboratory Corporation of America, LabCorp
Classification: Uncertain significance. Last evaluated: 2020-01-13. Review status: criteria provided, single submitter. Criteria: LabCorp Variant Classification Summary - May 2015. Collection method: clinical testing. Allele origin: germline.
Comment: Variant summary: SOS1 c.1271_1345dup75 (p.Gly448_Thr449insLysIleGlnLysAsnIleAspGlyTrpGluGlyLysAspIleGlyGlnCysCysAsnGluPheIleMetGluGly) results in an in-frame insertion that is predicted to insert 25 amino acids into the encoded protein. The variant was absent in 250974 control chromosomes (gnomAD). The available data on variant occurrences in the general population are insufficient to allow any conclusion about variant significance. To our knowledge, no occurrence of c.1271_1345dup75 in individuals affected with Noonan Syndrome and Related Conditions and no experimental evidence demonstrating an impact on protein function have been reported. No clinical diagnostic laboratories have submitted clinical-significance assessments for this variant to ClinVar after 2014. Based on the evidence outlined above, the variant was classified as uncertain significance.